The following is an entry in ClinVar:

NM_003718.5(CDK13):c.419T>G (p.Val140Gly)

Genes: CDK13 (cyclin dependent kinase 13; plus strand), LOC129998292 (ATAC-STARR-seq lymphoblastoid silent region 18115; plus strand). Cytogenetic location: 7p14.1.
Variant type: single nucleotide variant.
Coding change: c.419T>G on transcript NM_003718.5 (MANE Select); coding-DNA position 419, T replaced by G.
Protein change: p.Val140Gly; replaces valine 140 with glycine.
Molecular consequence: missense variant.
Genome position (GRCh38, 1-based): chr7:39,951,060, T>G. VCF-style: chr7-39951060-T-G. GRCh37 (hg19) VCF-style: chr7-39990659-T-G.
Other names: c.419T>G, p.Val140Gly (NM_031267.4); short protein forms V140G.
Identifiers: ClinVar variation 2180263 (VCV002180263.4), dbSNP rs895279225, ClinGen allele CA157707156.

ClinVar aggregate classification (germline): Uncertain significance (1 of 4 stars; one submission).

Submission:

Labcorp Genetics (formerly Invitae), Labcorp
Classification: Uncertain significance. Last evaluated: 2022-10-14. Review status: criteria provided, single submitter. Criteria: Invitae Variant Classification Sherloc (09022015). Collection method: clinical testing. Allele origin: germline.
Comment: In summary, the available evidence is currently insufficient to determine the role of this variant in disease. Therefore, it has been classified as a Variant of Uncertain Significance. Advanced modeling of protein sequence and biophysical properties (such as structural, functional, and spatial information, amino acid conservation, physicochemical variation, residue mobility, and thermodynamic stability) performed at Invitae indicates that this missense variant is not expected to disrupt CDK13 protein function. This variant has not been reported in the literature in individuals affected with CDK13-related conditions. This variant is not present in population databases (gnomAD no frequency). This sequence change replaces valine, which is neutral and non-polar, with glycine, which is neutral and non-polar, at codon 140 of the CDK13 protein (p.Val140Gly).